The following is an entry in ClinVar:

ClinVar aggregate classification (germline): Uncertain significance (1 of 4 stars; one submission).

Conditions:
Hereditary cancer-predisposing syndrome. Also called: Neoplastic Syndromes, Hereditary; Hereditary Cancer Syndrome; Hereditary neoplastic syndrome; Tumor predisposition. Identifiers: Orphanet 140162, MedGen C0027672, MeSH D009386, MONDO:0015356.

Submission:

Ambry Genetics
Classification: Uncertain significance for Hereditary cancer-predisposing syndrome. Last evaluated: 2023-05-26. Review status: criteria provided, single submitter. Criteria: Ambry Variant Classification Scheme 2023. Collection method: clinical testing. Allele origin: germline.
Comment: The p.I1819N variant (also known as c.5456T>A), located in coding exon 24 of the DICER1 gene, results from a T to A substitution at nucleotide position 5456. The isoleucine at codon 1819 is replaced by asparagine, an amino acid with dissimilar properties. This amino acid position is conserved. In addition, this alteration is predicted to be deleterious by in silico analysis. Since supporting evidence is limited at this time, the clinical significance of this alteration remains unclear.

NM_177438.3(DICER1):c.5456T>A (p.Ile1819Asn)

Gene: DICER1 (dicer 1, ribonuclease III; minus strand). Cytogenetic location: 14q32.13.
Variant type: single nucleotide variant.
Coding change: c.5456T>A on transcript NM_177438.3 (MANE Select); coding-DNA position 5456, T replaced by A.
Protein change: p.Ile1819Asn; replaces isoleucine 1819 with asparagine.
Molecular consequence: missense variant. On other transcripts: non-coding transcript variant (6), intron variant (1).
Genome position (GRCh38, 1-based): chr14:95,091,274, A>T on the plus strand (T>A on the coding strand, the complement: DICER1 is on the minus strand). VCF-style: chr14-95091274-A-T. GRCh37 (hg19) VCF-style: chr14-95557611-A-T.
Other names: c.5456T>A, p.Ile1819Asn (NM_001271282.3, NM_001291628.2, NM_001395677.1 and 8 more transcripts); c.5174T>A, p.Ile1725Asn (NM_001395686.1); c.5051T>A, p.Ile1684Asn (NM_001395687.1, NM_001395688.1, NM_001395689.1 and 1 more transcripts); c.4889T>A, p.Ile1630Asn (NM_001395691.1); c.3773T>A, p.Ile1258Asn (NM_001395697.1); c.5365-165T>A (NM_001195573.1); short protein forms I1684N, I1258N, I1630N, I1725N, I1819N.
Identifiers: ClinVar variation 2566209 (VCV002566209.2), dbSNP rs2139777601, ClinGen allele CA390864616.
Genomic context (GRCh38, chr14:95,091,274, plus strand): 5'-CGCATCATGGGATAGTACACCTGCCAGACTGTCTCCAGTGACATCCCACTATCCATGTAA[A>T]TGGCACCAGCAAGCGACTCAAAAATATCCCCCATGGCCTTTGGAACTTCAATATCCTCTT-3'
Protein context (NP_803187.1, residues 1809-1829): GDIFESLAGA[Ile1819Asn]YMDSGMSLET